The following is an entry in ClinVar:

NM_006279.5(ST3GAL3):c.668A>T (p.Asp223Val)

Gene: ST3GAL3 (ST3 beta-galactoside alpha-2,3-sialyltransferase 3; plus strand). Cytogenetic location: 1p34.1.
Variant type: single nucleotide variant.
Coding change: c.668A>T on transcript NM_006279.5 (MANE Select); coding-DNA position 668, A replaced by T.
Protein change: p.Asp223Val; replaces aspartic acid 223 with valine.
Molecular consequence: missense variant. On other transcripts: non-coding transcript variant (5), intron variant (7).
Genome position (GRCh38, 1-based): chr1:43,899,651, A>T. VCF-style: chr1-43899651-A-T. GRCh37 (hg19) VCF-style: chr1-44365323-A-T.
Other names: c.668A>T, p.Asp223Val (NM_001270459.2, NM_001350620.2, NM_174966.4); c.575A>T, p.Asp192Val (NM_001270460.2); c.620A>T, p.Asp207Val (NM_001270461.3, NM_001410781.1, NM_174969.4); c.527A>T, p.Asp176Val (NM_001270462.3); c.713A>T, p.Asp238Val (NM_001350619.2, NM_174964.4); c.389A>T, p.Asp130Val (NM_001350621.2); c.830A>T, p.Asp277Val (NM_001363573.2, NM_174968.5); c.875A>T, p.Asp292Val (NM_174963.5); and 8 more; short protein forms D238V, D130V, D192V, D207V, D223V, D277V, D292V, D176V.
Identifiers: ClinVar variation 2115618 (VCV002115618.4), dbSNP rs771156118, ClinGen allele CA340270416.

ClinVar aggregate classification (germline): Uncertain significance (1 of 4 stars; one submission).

Conditions:
Early-infantile DEE. Also called: Early infantile epileptic encephalopathy; Ohtahara syndrome; Early infantile epileptic encephalopathy with suppression bursts. Identifiers: Orphanet 1934, MedGen C0393706, MONDO:0800491.

Submission:

Labcorp Genetics (formerly Invitae), Labcorp
Classification: Uncertain significance for Early-infantile DEE. Last evaluated: 2022-03-21. Review status: criteria provided, single submitter. Criteria: Invitae Variant Classification Sherloc (09022015). Collection method: clinical testing. Allele origin: germline.
Comment: This sequence change replaces aspartic acid, which is acidic and polar, with valine, which is neutral and non-polar, at codon 223 of the ST3GAL3 protein (p.Asp223Val). This variant is not present in population databases (gnomAD no frequency). This variant has not been reported in the literature in individuals affected with ST3GAL3-related conditions. Algorithms developed to predict the effect of missense changes on protein structure and function are either unavailable or do not agree on the potential impact of this missense change (SIFT: "Deleterious"; PolyPhen-2: "Probably Damaging"; Align-GVGD: "Class C15"). In summary, the available evidence is currently insufficient to determine the role of this variant in disease. Therefore, it has been classified as a Variant of Uncertain Significance.